The following is an entry in ClinVar:

ClinVar aggregate classification (germline): Uncertain significance. Review status: criteria provided, multiple submitters, no conflicts (2 of 4 stars). 3 submissions from 3 submitters: Uncertain significance (2). 1 of the submissions does not count toward it. Last evaluated 2025-01-17.

Conditions:
Cardiovascular phenotype. Identifiers: MedGen CN230736.
Cardiomyopathy (CMYO). Also called: Cardiomyopathies. Identifiers: Orphanet 167848, MedGen C0878544, MONDO:0004994, HP:0001638. Inheritance: Various modes of inheritance.
Hypertrophic cardiomyopathy. Also called: HYPERTROPHIC MYOCARDIOPATHY. Identifiers: Orphanet 217569, MedGen C0007194, MeSH D002312, MONDO:0005045, HP:0001639.

Allele frequency attached by ClinVar (database versions not stated): gnomAD exomes below 0.00001.
gnomAD v4.1: 3 of 1,612,440 alleles (0.00019%); highest among the groups gnomAD compares: Non-Finnish European, 0.00017%; no homozygotes.

Submissions (3):

Ambry Genetics
Classification: Uncertain significance for Cardiovascular phenotype. Last evaluated: 2025-01-17. Review status: criteria provided, single submitter. Criteria: Ambry Variant Classification Scheme 2023. Collection method: clinical testing. Allele origin: germline.
Comment: The p.C171G variant (also known as c.511T>G), located in coding exon 5 of the CSRP3 gene, results from a T to G substitution at nucleotide position 511. The cysteine at codon 171 is replaced by glycine, an amino acid with highly dissimilar properties. This variant was reported in individual(s) with features consistent with hypertrophic cardiomyopathy (HCM) (Burns C et al. Circ Cardiovasc Genet, 2017 Aug;10:[ePub ahead of print]; Ambry internal data). This amino acid position is highly conserved in available vertebrate species. In addition, this alteration is predicted to be deleterious by in silico analysis. Based on the available evidence, the clinical significance of this variant remains unclear.

CHEO Genetics Diagnostic Laboratory, Children's Hospital of Eastern Ontario
Classification: Uncertain significance for Cardiomyopathy. Last evaluated: 2020-01-06. Review status: criteria provided, single submitter. Criteria: ACMG Guidelines, 2015. Collection method: clinical testing. Allele origin: germline.

Agnes Ginges Centre for Molecular Cardiology, Centenary Institute
Classification: Uncertain significance for Hypertrophic cardiomyopathy. Last evaluated: 2019-06-04. Review status: no assertion criteria provided. Collection method: research. Allele origin: germline. Inheritance: Autosomal dominant inheritance. Affected: yes. Not counted in ClinVar's aggregate classification.
Comment: It is absent from the Genome Aggregation Database, as well as the Greater Middle Eastern variome project. In silico prediction tools SIFT, PolyPhen-2 and MutationTaster predict this variant to be deleterious. In summary, the variant is rare in the general population, in silico predict that the variant is deleterious but there is no other evidence to confirm the pathogenicity of the variant, therefore we classify CSRP3 Cys171Gly as a variant of 'uncertain significance'.

Literature cited by the submitters: PubMed 28790153 (cited by Ambry Genetics and Agnes Ginges Centre for Molecular Cardiology, Centenary Institute).

NM_003476.5(CSRP3):c.511T>G (p.Cys171Gly)

Gene: CSRP3 (cysteine and glycine rich protein 3; minus strand). Cytogenetic location: 11p15.1.
Variant type: single nucleotide variant.
Coding change: c.511T>G on transcript NM_003476.5 (MANE Select); coding-DNA position 511, T replaced by G.
Protein change: p.Cys171Gly; replaces cysteine 171 with glycine.
Molecular consequence: missense variant.
Genome position (GRCh38, 1-based): chr11:19,182,744, A>C on the plus strand (T>G on the coding strand, the complement: CSRP3 is on the minus strand). VCF-style: chr11-19182744-A-C. GRCh37 (hg19) VCF-style: chr11-19204291-A-C.
Other names: c.342T>G, p.Phe114Leu (NM_001369404.1); short protein forms C171G, F114L.
Identifiers: ClinVar variation 977168 (VCV000977168.4), dbSNP rs770760020, ClinGen allele CA379887586.